The following is an entry in ClinVar:

ClinVar aggregate classification (germline): Uncertain significance (1 of 4 stars; one submission).

Conditions:
Aldosterone-producing adenoma with seizures and neurological abnormalities. Also called: Primary aldosteronism, seizures, and neurologic abnormalities. Identifiers: Orphanet 369929, MedGen C3809609, MONDO:0014200, OMIM 615474.

Submission:

MVZ Medizinische Genetik Mainz
Classification: Uncertain significance for Aldosterone-producing adenoma with seizures and neurological abnormalities. Last evaluated: 2026-02-13. Review status: criteria provided, single submitter. Criteria: UK Practice Guidelines For Variant Classification V4 01 2020. Collection method: clinical testing. Allele origin: germline. Inheritance: Autosomal dominant inheritance. Affected: yes. Observed: 1 variant allele.
Comment: ACMG Criteria: PP3_MOD,PM2_SUP

NM_001128840.3(CACNA1D):c.1770T>G (p.Phe590Leu)

Gene: CACNA1D (calcium voltage-gated channel subunit alpha1 D; plus strand). Cytogenetic location: 3p21.1.
Variant type: single nucleotide variant.
Coding change: c.1770T>G on transcript NM_001128840.3 (MANE Select); coding-DNA position 1770, T replaced by G.
Protein change: p.Phe590Leu; replaces phenylalanine 590 with leucine.
Molecular consequence: missense variant.
Genome position (GRCh38, 1-based): chr3:53,723,537, T>G. VCF-style: chr3-53723537-T-G. GRCh37 (hg19) VCF-style: chr3-53757564-T-G.
Other names: c.1830T>G, p.Phe610Leu (NM_000720.4); c.1770T>G, p.Phe590Leu (NM_001128839.3); short protein forms F590L, F610L.
Identifiers: ClinVar variation 4818870 (VCV004818870.1).
Genomic context (GRCh38, chr3:53,723,537, plus strand): 5'-GCTGGTAAAAATGTACAGCTTGGGCCTCCAAGCATATTTCGTCTCTCTTTTCAACCGGTT[T>G]GATTGCTTCGTGGTGTGTGGTGGAATCACTGAGACGATCTTGGTGGAACTGGAAATCATG-3'
Protein context (NP_001122312.1, residues 580-600): QAYFVSLFNR[Phe590Leu]DCFVVCGGIT